The following is an entry in ClinVar:

ClinVar aggregate classification (germline): Likely benign. Review status: criteria provided, single submitter (1 of 4 stars). 2 submissions from 2 submitters: Likely benign (1). 1 of the submissions does not count toward it. Last evaluated 2025-11-17.

Conditions:
Epidermolysis bullosa simplex 5C, with pyloric atresia (EBS5C). Also called: PLEC1-Related Epidermolysis Bullosa with Pyloric Atresia; Epidermolysis bullosa simplex with pyloric atresia; PLEC-Related Epidermolysis Bullosa with Pyloric Atresia. Identifiers: Orphanet 158684, MedGen C2677349, MONDO:0012807, OMIM 612138.
Epidermolysis bullosa simplex with nail dystrophy (EBS5D). Identifiers: MedGen C4225309, MONDO:0014661, OMIM 616487.
Epidermolysis bullosa simplex 5B, with muscular dystrophy (EBS5B). Also called: EPIDERMOLYSIS BULLOSA SIMPLEX AND LIMB-GIRDLE MUSCULAR DYSTROPHY; Epidermolysis bullosa simplex with muscular dystrophy. Identifiers: Orphanet 257, MedGen C2931072, MONDO:0009181, OMIM 226670.
Epidermolysis bullosa simplex, Ogna type (EBS5A). Also called: Pidermolysis bullosa simplex 5A, Ogna type; EPIDERMOLYSIS BULLOSA SIMPLEX 5A, OGNA TYPE. Identifiers: Orphanet 79401, MedGen C0432317, MONDO:0007555, OMIM 131950.
Autosomal recessive limb-girdle muscular dystrophy type 2Q (LGMDR17). Also called: MUSCULAR DYSTROPHY, LIMB-GIRDLE, AUTOSOMAL RECESSIVE 17. Identifiers: Orphanet 254361, MedGen C3150989, MONDO:0013390, OMIM 613723.

Allele frequency attached by ClinVar (database versions not stated): gnomAD 0.00001; gnomAD exomes 0.00001 and 0.00005; TOPMed 0.00002; ExAC 0.00003.
gnomAD v4.1: 26 of 1,613,720 alleles (0.0016%); highest among the groups gnomAD compares: Non-Finnish European, 0.00025%; no homozygotes.

Submissions (2):

Labcorp Genetics (formerly Invitae), Labcorp
Classification: Likely benign for Autosomal recessive limb-girdle muscular dystrophy type 2Q; Epidermolysis bullosa simplex, Ogna type; Epidermolysis bullosa simplex with nail dystrophy; Epidermolysis bullosa simplex 5C, with pyloric atresia; Epidermolysis bullosa simplex 5B, with muscular dystrophy. Last evaluated: 2025-11-17. Review status: criteria provided, single submitter. Criteria: Invitae Variant Classification Sherloc (09022015). Collection method: clinical testing. Allele origin: germline.

Department of Pathology and Laboratory Medicine, Sinai Health System
Classification: Uncertain significance. Review status: no assertion criteria provided. Collection method: clinical testing. Allele origin: unknown. Affected: yes. Study: The Canadian Open Genetics Repository (COGR). Not counted in ClinVar's aggregate classification.
Comment: The PLEC p.Gly4093Gly variant was not identified in the literature nor was it identified in ClinVar. The variant was identified in dbSNP (ID: rs782237566) and in control databases in 13 of 249374 chromosomes at a frequency of 0.00005213 (Genome Aggregation Database March 6, 2019, v2.1.1). The variant was observed in the following populations: Ashkenazi Jewish in 12 of 10072 chromosomes (freq: 0.001191) and European (non-Finnish) in 1 of 113172 chromosomes (freq: 0.000009), but was not observed in the African, Latino, East Asian, European (Finnish), Other, or South Asian populations. The p.Gly4093Gly variant is not expected to have clinical significance because it does not result in a change of amino acid and is not located in a known consensus splice site. The variant occurs outside of the splicing consensus sequence and 2 of 4 in silico or computational prediction software programs (SpliceSiteFinder, MaxEntScan, NNSPLICE, GeneSplicer) predict a greater than 10% difference in splicing. However, this information is not predictive enough to assume pathogenicity. In summary, based on the above information the clinical significance of this variant cannot be determined with certainty at this time. This variant is classified as a variant of uncertain significance.

NM_201384.3(PLEC):c.12345C>T (p.Gly4115=)

Gene: PLEC (plectin; minus strand). Cytogenetic location: 8q24.3.
Variant type: single nucleotide variant.
Coding change: c.12345C>T on transcript NM_201384.3 (MANE Select); coding-DNA position 12345, C replaced by T.
Protein change: p.Gly4115=; no amino-acid change (glycine 4115 retained).
Molecular consequence: synonymous variant.
Genome position (GRCh38, 1-based): chr8:143,917,476, G>A on the plus strand (C>T on the coding strand, the complement: PLEC is on the minus strand). VCF-style: chr8-143917476-G-A. GRCh37 (hg19) VCF-style: chr8-144991644-G-A.
Other names: c.12426C>T, p.Gly4142= (NM_000445.5); c.12303C>T, p.Gly4101= (NM_201378.4); c.12279C>T, p.Gly4093= (NM_201379.3); c.12756C>T, p.Gly4252= (NM_201380.4); c.12249C>T, p.Gly4083= (NM_201381.3); c.12345C>T, p.Gly4115= (NM_201382.4); c.12357C>T, p.Gly4119= (NM_201383.3).
Identifiers: ClinVar variation 835531 (VCV000835531.11), dbSNP rs782237566, ClinGen allele CA4924113.
Genomic context (GRCh38, chr8:143,917,476, plus strand): 5'-GGAGGACTTGGAGGACGTCTTCCGCTCCCGCTTCTTCTCCTTCAGCGGCAAGAGACACAG[G>A]CCCGTCTGGGGGTCAGTGATACAACGCTCCATCAGCTGCAGGTAGGTGAGGTTCTCCTCC-3'
Protein context (NP_958786.1, residues 4105-4125): MERCITDPQT[Gly4115=]LCLLPLKEKK